The following is an entry in ClinVar:

NM_001195263.2(PDZD7):c.584G>A (p.Gly195Asp)

Gene: PDZD7 (PDZ domain containing 7; minus strand). Cytogenetic location: 10q24.31.
Variant type: single nucleotide variant.
Coding change: c.584G>A on transcript NM_001195263.2 (MANE Select); coding-DNA position 584, G replaced by A.
Protein change: p.Gly195Asp; replaces glycine 195 with aspartic acid.
Molecular consequence: missense variant.
Genome position (GRCh38, 1-based): chr10:101,022,344, C>T on the plus strand (G>A on the coding strand, the complement: PDZD7 is on the minus strand). VCF-style: chr10-101022344-C-T. GRCh37 (hg19) VCF-style: chr10-102782101-C-T.
Other names: c.584G>A, p.Gly195Asp (NM_001351044.2, NM_024895.5); c.584G>A (NM_001195263.1); short protein forms G195D.
Identifiers: ClinVar variation 1363039 (VCV001363039.7), dbSNP rs1473798675, ClinGen allele CA378230369.
Genomic context (GRCh38, chr10:101,022,344, plus strand): 5'-GTGTATAGGTGGACGATGCGCCGGACACCATCTTCTGAGCTGGTGTCGGAGGGTGTTGAA[C>T]CGCACTTCTCCACTACCAGGCGCCGATTCACCACATCCACCCTGGACAACAGCAGGGGGC-3'
Protein context (NP_001182192.1, residues 185-205): VNRRLVVEKC[Gly195Asp]STPSDTSSED

ClinVar aggregate classification (germline): Uncertain significance. Review status: criteria provided, multiple submitters, no conflicts (2 of 4 stars). 2 submissions from 2 submitters: Uncertain significance (2). Last evaluated 2024-02-14.

Allele frequency attached by ClinVar (database versions not stated): gnomAD 0.00001; gnomAD exomes 0.00001; TOPMed 0.00001.

Submissions (2):

Labcorp Genetics (formerly Invitae), Labcorp
Classification: Uncertain significance. Last evaluated: 2024-02-14. Review status: criteria provided, single submitter. Criteria: Invitae Variant Classification Sherloc (09022015). Collection method: clinical testing. Allele origin: germline.
Comment: This sequence change replaces glycine, which is neutral and non-polar, with aspartic acid, which is acidic and polar, at codon 195 of the PDZD7 protein (p.Gly195Asp). This variant is present in population databases (no rsID available, gnomAD 0.003%). This variant has not been reported in the literature in individuals affected with PDZD7-related conditions. ClinVar contains an entry for this variant (Variation ID: 1363039). Advanced modeling of protein sequence and biophysical properties (such as structural, functional, and spatial information, amino acid conservation, physicochemical variation, residue mobility, and thermodynamic stability) performed at Invitae indicates that this missense variant is not expected to disrupt PDZD7 protein function with a negative predictive value of 80%. In summary, the available evidence is currently insufficient to determine the role of this variant in disease. Therefore, it has been classified as a Variant of Uncertain Significance.

GeneDx
Classification: Uncertain significance. Last evaluated: 2022-10-07. Review status: criteria provided, single submitter. Criteria: GeneDx Variant Classification Process June 2021. Collection method: clinical testing. Allele origin: germline. Affected: yes.
Comment: Not observed at significant frequency in large population cohorts (gnomAD); In silico analysis supports that this missense variant has a deleterious effect on protein structure/function; Has not been previously published as pathogenic or benign to our knowledge